The following is an entry in ClinVar:

ClinVar aggregate classification (germline): Likely pathogenic (1 of 4 stars; one submission).

Conditions:
O'Donnell-Luria-Rodan syndrome (ODLURO). Also called: KMT2E-Related Neurodevelopmental Disorder. Identifiers: MedGen C5193138, MONDO:0032793, OMIM 618512.

Allele frequency attached by ClinVar (database versions not stated): gnomAD exomes below 0.00001.
gnomAD v4.1: 1 of 1,593,426 alleles (0.000063%); highest among the groups gnomAD compares: Non-Finnish European, 0.000086%; no homozygotes.

Submission:

Greenwood Genetic Center Diagnostic Laboratories, Greenwood Genetic Center
Classification: Likely pathogenic for O'Donnell-Luria-Rodan syndrome. Last evaluated: 2023-06-20. Review status: criteria provided, single submitter. Criteria: ACMG Guidelines, 2015. Collection method: clinical testing. Allele origin: germline. Affected: yes.
Comment: PS4_Supporting, PM2, PM6, PP3

NM_182931.3(KMT2E):c.186G>A (p.Ala62=)

Gene: KMT2E (lysine methyltransferase 2E (inactive); plus strand). Cytogenetic location: 7q22.3.
Variant type: single nucleotide variant.
Coding change: c.186G>A on transcript NM_182931.3 (MANE Select); coding-DNA position 186, G replaced by A.
Protein change: p.Ala62=; no amino-acid change (alanine 62 retained).
Molecular consequence: synonymous variant.
Genome position (GRCh38, 1-based): chr7:105,062,278, G>A. VCF-style: chr7-105062278-G-A. GRCh37 (hg19) VCF-style: chr7-104702725-G-A.
Other names: c.186G>A, p.Ala62= (NM_001410908.1, NM_018682.4).
Identifiers: ClinVar variation 2572284 (VCV002572284.1), dbSNP rs2536381910, ClinGen allele CA457031816.